The following is an entry in ClinVar:

NM_001363711.2(DUOX2):c.4006G>T (p.Val1336Leu)

Gene: DUOX2 (dual oxidase 2; minus strand). Cytogenetic location: 15q21.1.
Variant type: single nucleotide variant.
Coding change: c.4006G>T on transcript NM_001363711.2 (MANE Select); coding-DNA position 4006, G replaced by T.
Protein change: p.Val1336Leu; replaces valine 1336 with leucine.
Molecular consequence: missense variant.
Genome position (GRCh38, 1-based): chr15:45,095,902, C>A on the plus strand (G>T on the coding strand, the complement: DUOX2 is on the minus strand). VCF-style: chr15-45095902-C-A. GRCh37 (hg19) VCF-style: chr15-45388100-C-A.
Other names: c.4006G>T, p.Val1336Leu (NM_014080.5); short protein forms V1336L.
Identifiers: ClinVar variation 3678460 (VCV003678460.2).

ClinVar aggregate classification (germline): Uncertain significance (1 of 4 stars; one submission).

gnomAD v4.1: 1 of 1,613,872 alleles (0.000062%); highest among the groups gnomAD compares: African/African-American, 0.0013%; no homozygotes.

Submission:

Labcorp Genetics (formerly Invitae), Labcorp
Classification: Uncertain significance. Last evaluated: 2024-05-17. Review status: criteria provided, single submitter. Criteria: Invitae Variant Classification Sherloc (09022015). Collection method: clinical testing. Allele origin: germline.
Comment: This sequence change replaces valine, which is neutral and non-polar, with leucine, which is neutral and non-polar, at codon 1336 of the DUOX2 protein (p.Val1336Leu). This variant is not present in population databases (gnomAD no frequency). This variant has not been reported in the literature in individuals affected with DUOX2-related conditions. Advanced modeling of protein sequence and biophysical properties (such as structural, functional, and spatial information, amino acid conservation, physicochemical variation, residue mobility, and thermodynamic stability) performed at Invitae indicates that this missense variant is not expected to disrupt DUOX2 protein function with a negative predictive value of 80%. In summary, the available evidence is currently insufficient to determine the role of this variant in disease. Therefore, it has been classified as a Variant of Uncertain Significance.